The following is an entry in ClinVar:

ClinVar aggregate classification (germline): Uncertain significance (1 of 4 stars; one submission).

Conditions:
Immunodeficiency 39 (IMD39). Identifiers: Orphanet 574918, MedGen C4225358, MONDO:0014597, OMIM 616345.

Submission:

Labcorp Genetics (formerly Invitae), Labcorp
Classification: Uncertain significance for Immunodeficiency 39. Last evaluated: 2023-10-08. Review status: criteria provided, single submitter. Criteria: Invitae Variant Classification Sherloc (09022015). Collection method: clinical testing. Allele origin: germline.
Comment: This sequence change replaces valine, which is neutral and non-polar, with leucine, which is neutral and non-polar, at codon 200 of the IRF7 protein (p.Val200Leu). This variant is not present in population databases (gnomAD no frequency). This variant has not been reported in the literature in individuals affected with IRF7-related conditions. Advanced modeling of protein sequence and biophysical properties (such as structural, functional, and spatial information, amino acid conservation, physicochemical variation, residue mobility, and thermodynamic stability) performed at Invitae indicates that this missense variant is not expected to disrupt IRF7 protein function. In summary, the available evidence is currently insufficient to determine the role of this variant in disease. Therefore, it has been classified as a Variant of Uncertain Significance.

NM_001572.5(IRF7):c.559G>C (p.Val187Leu)

Gene: IRF7 (interferon regulatory factor 7; minus strand). Cytogenetic location: 11p15.5.
Variant type: single nucleotide variant.
Coding change: c.559G>C on transcript NM_001572.5 (MANE Select); coding-DNA position 559, G replaced by C.
Protein change: p.Val187Leu; replaces valine 187 with leucine.
Molecular consequence: missense variant.
Genome position (GRCh38, 1-based): chr11:614,294, C>G on the plus strand (G>C on the coding strand, the complement: IRF7 is on the minus strand). VCF-style: chr11-614294-C-G. GRCh37 (hg19) VCF-style: chr11-614294-C-G.
Other names: c.559G>C, p.Val187Leu (NM_004029.4); c.598G>C, p.Val200Leu (NM_004031.4); short protein forms V200L, V187L.
Identifiers: ClinVar variation 2961502 (VCV002961502.3), dbSNP rs2493926270, ClinGen allele CA378981922.
Genomic context (GRCh38, chr11:614,294, plus strand): 5'-GGACTGGATCTGCCCCCCATGACGCTGTCAGCAGATGGTCTGCCAGGCAGCTCTGTTGCA[C>G]TGCCTGGAGCAGGAGGTCCCCCTTGTCACCAGCTGGGGCAGGGAGGGGGCCTGGGGCTTG-3'
Protein context (NP_001563.2, residues 177-197): GDKGDLLLQA[Val187Leu]QQSCLADHLL